The following is an entry in ClinVar:

NM_004360.5(CDH1):c.510A>C (p.Pro170=)

Gene: CDH1 (cadherin 1; plus strand). Cytogenetic location: 16q22.1.
Variant type: single nucleotide variant.
Coding change: c.510A>C on transcript NM_004360.5 (MANE Select); coding-DNA position 510, A replaced by C.
Protein change: p.Pro170=; no amino-acid change (proline 170 retained).
Molecular consequence: synonymous variant. On other transcripts: 5 prime UTR variant (2).
Genome position (GRCh38, 1-based): chr16:68,808,546, A>C. VCF-style: chr16-68808546-A-C. GRCh37 (hg19) VCF-style: chr16-68842449-A-C.
Other names: c.510A>C (LRG_301t1); c.510A>C, p.Pro170= (NM_001317184.2); c.-1106A>C (NM_001317185.2); c.-1310A>C (NM_001317186.2).
Identifiers: ClinVar variation 382778 (VCV000382778.13), dbSNP rs774962542, ClinGen allele CA16607352.

ClinVar aggregate classification (germline): Benign/Likely benign. Review status: criteria provided, multiple submitters, no conflicts (2 of 4 stars). 5 submissions from 5 submitters: Benign (1); Likely benign (4). Last evaluated 2025-12-10.

Conditions:
Hereditary cancer-predisposing syndrome. Also called: Hereditary neoplastic syndrome; Tumor predisposition; Neoplastic Syndromes, Hereditary; Hereditary Cancer Syndrome. Identifiers: Orphanet 140162, MedGen C0027672, MeSH D009386, MONDO:0015356.
Hereditary diffuse gastric adenocarcinoma (HDGC). Also called: DIFFUSE GASTRIC AND LOBULAR BREAST CANCER SYNDROME. Identifiers: Orphanet 26106, MedGen C1708349, MONDO:0007648, OMIM 137215.

Submissions (5):

Ambry Genetics
Classification: Likely benign for Hereditary cancer-predisposing syndrome. Last evaluated: 2025-12-10. Review status: criteria provided, single submitter. Criteria: Ambry Variant Classification Scheme 2023. Collection method: clinical testing. Allele origin: germline.

Myriad Genetics, Inc.
Classification: Benign for Hereditary diffuse gastric adenocarcinoma. Last evaluated: 2024-09-13. Review status: criteria provided, single submitter. Criteria: Myriad Autosomal Dominant, Autosomal Recessive and X-Linked Classification Criteria (2023). Collection method: clinical testing. Allele origin: unknown.
Comment: This variant is considered benign. This variant is a silent/synonymous amino acid change and it is not expected to impact splicing.

Sema4
Classification: Likely benign for Hereditary cancer-predisposing syndrome. Last evaluated: 2021-02-17. Review status: criteria provided, single submitter. Criteria: Sema4 Curation Guidelines. Collection method: curation. Allele origin: germline.

Labcorp Genetics (formerly Invitae), Labcorp
Classification: Likely benign for Hereditary diffuse gastric adenocarcinoma. Last evaluated: 2020-05-20. Review status: criteria provided, single submitter. Criteria: Invitae Variant Classification Sherloc (09022015). Collection method: clinical testing. Allele origin: germline.

GeneDx
Classification: Likely benign. Last evaluated: 2015-12-30. Review status: criteria provided, single submitter. Criteria: GeneDx Variant Classification (06012015). Collection method: clinical testing. Allele origin: germline. Affected: yes.
Comment: This variant is considered likely benign or benign based on one or more of the following criteria: it is a conservative change, it occurs at a poorly conserved position in the protein, it is predicted to be benign by multiple in silico algorithms, and/or has population frequency not consistent with disease.